The following is an entry in ClinVar:

ClinVar aggregate classification (germline): Pathogenic (1 of 4 stars; one submission).

Conditions:
Spondylocostal dysostosis 2, autosomal recessive (SCDO2). Also called: Spondylocostal dysostosis type 2; MESP2-Related Spondylocostal Dysostosis, Autosomal Recessive. Identifiers: Orphanet 2311, MedGen C1837549, MONDO:0012097, OMIM 608681.

Submission:

Myriad Genetics, Inc.
Classification: Pathogenic for Spondylocostal dysostosis 2, autosomal recessive. Last evaluated: 2025-08-27. Review status: criteria provided, single submitter. Criteria: Myriad Autosomal Dominant, Autosomal Recessive and X-Linked Classification Criteria (2023). Collection method: clinical testing. Allele origin: unknown.
Comment: NM_001039958.1(MESP2):c.243_267dup25(E90Tfs*285) is a frameshift variant classified as pathogenic in the context of spondylothoracic dysostosis. E90Tfs*285 has not been observed in cases with relevant disease. Relevant functional assessments of this variant are not available in the literature. E90Tfs*285 has not been observed in referenced population frequency databases. In summary, NM_001039958.1(MESP2):c.243_267dup25(E90Tfs*285) is a frameshift variant in a gene where loss of function is a known mechanism of disease and is predicted to disrupt protein function. Please note: this variant was assessed in the context of healthy population screening.

NM_001039958.2(MESP2):c.243_267dup (p.Glu90fs)

Genes: MESP2 (mesoderm posterior bHLH transcription factor 2; plus strand), LOC130057891 (ATAC-STARR-seq lymphoblastoid silent region 6806; plus strand). Cytogenetic location: 15q26.1.
Variant type: Duplication.
Coding change: c.243_267dup on transcript NM_001039958.2 (MANE Select); coding-DNA positions 243 to 267, 25 bases duplicated (ACAGCGGCAGAGCGCCAGCGAGCGG).
Protein change: p.Glu90fs; shifts the reading frame from glutamic acid 90.
Molecular consequence: frameshift variant.
Genome position (GRCh38, 1-based): chr15:89,776,600-89,776,624, ACAGCGGCAGAGCGCCAGCGAGCGG duplicated; duplicating any 25 consecutive bases within chr15:89,776,596-89,776,624 gives the same sequence; the c. name uses the placement nearest the transcript's 3' end. VCF-style (leftmost placement, unchanged base first): chr15-89776595-G-GGCGGACAGCGGCAGAGCGCCAGCGA. GRCh37 (hg19) VCF-style: chr15-90319826-G-GGCGGACAGCGGCAGAGCGCCAGCGA.
Other names: short protein forms E90fs.
Identifiers: ClinVar variation 5004141 (VCV005004141.1).